The following is an entry in ClinVar:

ClinVar aggregate classification (germline): Uncertain significance. Review status: criteria provided, multiple submitters, no conflicts (2 of 4 stars). 2 submissions from 2 submitters: Uncertain significance (2). Last evaluated 2024-02-06.

Conditions:
CHD7-related disorder. Also called: CHD7-related condition.

Allele frequency attached by ClinVar (database versions not stated): gnomAD exomes below 0.00001.
gnomAD v4.1: 1 of 1,614,034 alleles (0.000062%); highest among the groups gnomAD compares: East Asian, 0.0022%; no homozygotes.

Submissions (2):

Blueprint Genetics
Classification: Uncertain significance. Last evaluated: 2024-02-06. Review status: criteria provided, single submitter. Criteria: ACMG Guidelines, 2015. Collection method: clinical testing. Allele origin: germline.

PreventionGenetics, part of Exact Sciences
Classification: Uncertain significance for CHD7-related condition. Last evaluated: 2022-11-16. Review status: criteria provided, single submitter. Criteria: ACMG Guidelines, 2015. Collection method: clinical testing. Allele origin: germline.
Comment: The CHD7 c.1318C>T variant is predicted to result in the amino acid substitution p.Pro440Ser. To our knowledge, this variant has not been reported in the literature or in a large population database, indicating this variant is rare. At this time, the clinical significance of this variant is uncertain due to the absence of conclusive functional and genetic evidence.

NM_017780.4(CHD7):c.1318C>T (p.Pro440Ser)

Gene: CHD7 (chromodomain helicase DNA binding protein 7; plus strand). Cytogenetic location: 8q12.2.
Variant type: single nucleotide variant.
Coding change: c.1318C>T on transcript NM_017780.4 (MANE Select); coding-DNA position 1318, C replaced by T.
Protein change: p.Pro440Ser; replaces proline 440 with serine.
Molecular consequence: missense variant.
Genome position (GRCh38, 1-based): chr8:60,742,750, C>T. VCF-style: chr8-60742750-C-T. GRCh37 (hg19) VCF-style: chr8-61655309-C-T.
Other names: c.1318C>T, p.Pro440Ser (NM_001316690.1); short protein forms P440S.
Identifiers: ClinVar variation 2635194 (VCV002635194.2), dbSNP rs2487280906, ClinGen allele CA371302248.